The following is an entry in ClinVar:

NM_025191.4(EDEM3):c.1986A>G (p.Val662=)

Gene: EDEM3 (ER degradation enhancing alpha-mannosidase like protein 3; minus strand). Cytogenetic location: 1q25.3.
Variant type: single nucleotide variant.
Coding change: c.1986A>G on transcript NM_025191.4 (MANE Select); coding-DNA position 1986, A replaced by G.
Protein change: p.Val662=; no amino-acid change (valine 662 retained).
Molecular consequence: synonymous variant. On other transcripts: non-coding transcript variant (1).
Genome position (GRCh38, 1-based): chr1:184,708,204, T>C on the plus strand (A>G on the coding strand, the complement: EDEM3 is on the minus strand). VCF-style: chr1-184708204-T-C. GRCh37 (hg19) VCF-style: chr1-184677338-T-C.
Other names: c.1986A>G, p.Val662= (NM_001319960.2).
Identifiers: ClinVar variation 4874765 (VCV004874765.2).

ClinVar aggregate classification (germline): Likely benign (1 of 4 stars; one submission).

gnomAD v4.1: 1 of 1,613,824 alleles (0.000062%); highest among the groups gnomAD compares: Non-Finnish European, 0.000085%; no homozygotes.

Submission:

CeGaT Center for Human Genetics Tuebingen
Classification: Likely benign. Last evaluated: 2026-04-01. Review status: criteria provided, single submitter. Criteria: CeGaT Center For Human Genetics Tuebingen Variant Classification Criteria Version 2. Collection method: clinical testing. Allele origin: germline. Affected: yes. Observed: 1 variant allele.
Comment: EDEM3: BP4, BP7